The following is an entry in ClinVar:

NM_018419.3(SOX18):c.951T>A (p.Asp317Glu)

Gene: SOX18 (SRY-box transcription factor 18; minus strand). Cytogenetic location: 20q13.33.
Variant type: single nucleotide variant.
Coding change: c.951T>A on transcript NM_018419.3 (MANE Select); coding-DNA position 951, T replaced by A.
Protein change: p.Asp317Glu; replaces aspartic acid 317 with glutamic acid.
Molecular consequence: missense variant.
Genome position (GRCh38, 1-based): chr20:64,048,370, A>T on the plus strand (T>A on the coding strand, the complement: SOX18 is on the minus strand). VCF-style: chr20-64048370-A-T. GRCh37 (hg19) VCF-style: chr20-62679723-A-T.
Other names: short protein forms D317E.
Identifiers: ClinVar variation 2099616 (VCV002099616.4), dbSNP rs1431448540, ClinGen allele CA409751839.

ClinVar aggregate classification (germline): Uncertain significance (1 of 4 stars; one submission).

Allele frequency attached by ClinVar (database versions not stated): gnomAD exomes 0.00001.
gnomAD v4.1: 4 of 1,576,976 alleles (0.00025%); highest among the groups gnomAD compares: Non-Finnish European, 0.00034%; no homozygotes.

Submission:

Labcorp Genetics (formerly Invitae), Labcorp
Classification: Uncertain significance. Last evaluated: 2024-10-16. Review status: criteria provided, single submitter. Criteria: Invitae Variant Classification Sherloc (09022015). Collection method: clinical testing. Allele origin: germline.
Comment: This sequence change replaces aspartic acid, which is acidic and polar, with glutamic acid, which is acidic and polar, at codon 317 of the SOX18 protein (p.Asp317Glu). This variant is not present in population databases (gnomAD no frequency). This variant has not been reported in the literature in individuals affected with SOX18-related conditions. ClinVar contains an entry for this variant (Variation ID: 2099616). Invitae Evidence Modeling of protein sequence and biophysical properties (such as structural, functional, and spatial information, amino acid conservation, physicochemical variation, residue mobility, and thermodynamic stability) indicates that this missense variant is not expected to disrupt SOX18 protein function with a negative predictive value of 80%. In summary, the available evidence is currently insufficient to determine the role of this variant in disease. Therefore, it has been classified as a Variant of Uncertain Significance.